The following is an entry in ClinVar:

NM_001148.6(ANK2):c.3555G>C (p.Glu1185Asp)

Gene: ANK2 (ankyrin 2; plus strand). Cytogenetic location: 4q26.
Variant type: single nucleotide variant.
Coding change: c.3555G>C on transcript NM_001148.6 (MANE Select); coding-DNA position 3555, G replaced by C.
Protein change: p.Glu1185Asp; replaces glutamic acid 1185 with aspartic acid.
Molecular consequence: missense variant. On other transcripts: 5 prime UTR variant (2).
Genome position (GRCh38, 1-based): chr4:113,336,021, G>C. VCF-style: chr4-113336021-G-C. GRCh37 (hg19) VCF-style: chr4-114257177-G-C.
Other names: c.1083G>C, p.Glu361Asp (NM_001354281.2, NM_001354278.2); c.1119G>C, p.Glu373Asp (NM_001354282.2, NM_001354279.2); c.3354G>C, p.Glu1118Asp (NM_001386142.1, NM_001386154.1, NM_001354274.2); c.3492G>C, p.Glu1164Asp (NM_001386143.1, NM_001354243.2, NM_001354255.2); c.3600G>C, p.Glu1200Asp (NM_001386144.1, NM_001354240.2, NM_001354241.2); c.3369G>C, p.Glu1123Asp (NM_001386146.1, NM_001386149.1, NM_001386150.1 and 6 more transcripts); c.3414G>C, p.Glu1138Asp (NM_001386147.1, NM_001354261.2); c.3540G>C, p.Glu1180Asp (NM_001386148.2, NM_001386186.2); and 31 more; short protein forms E1057D, E1098D, E1118D, E1130D, E1138D, E1151D, E1175D, E1184D.
Identifiers: ClinVar variation 3717562 (VCV003717562.2).

ClinVar aggregate classification (germline): Uncertain significance (1 of 4 stars; one submission).

Conditions:
Long QT syndrome (LQTS). Identifiers: MedGen C0023976, MeSH D008133, MONDO:0002442. Disease mechanism: loss of function. Inheritance: Various modes of inheritance.

gnomAD v4.1: 9 of 1,614,120 alleles (0.00056%); highest among the groups gnomAD compares: Non-Finnish European, 0.00076%; no homozygotes.

Submission:

Labcorp Genetics (formerly Invitae), Labcorp
Classification: Uncertain significance for Long QT syndrome. Last evaluated: 2024-09-27. Review status: criteria provided, single submitter. Criteria: Invitae Variant Classification Sherloc (09022015). Collection method: clinical testing. Allele origin: germline.
Comment: This sequence change replaces glutamic acid, which is acidic and polar, with aspartic acid, which is acidic and polar, at codon 1185 of the ANK2 protein (p.Glu1185Asp). This variant is present in population databases (rs368553743, gnomAD 0.0009%). This variant has not been reported in the literature in individuals affected with ANK2-related conditions. Invitae Evidence Modeling of protein sequence and biophysical properties (such as structural, functional, and spatial information, amino acid conservation, physicochemical variation, residue mobility, and thermodynamic stability) indicates that this missense variant is not expected to disrupt ANK2 protein function with a negative predictive value of 80%. In summary, the available evidence is currently insufficient to determine the role of this variant in disease. Therefore, it has been classified as a Variant of Uncertain Significance.